The following is an entry in ClinVar:

NM_001136472.2(LITAF):c.3G>A (p.Met1Ile)

Gene: LITAF (lipopolysaccharide induced TNF factor; minus strand). Cytogenetic location: 16p13.13.
Variant type: single nucleotide variant.
Coding change: c.3G>A on transcript NM_001136472.2 (MANE Select); coding-DNA position 3, G replaced by A.
Protein change: p.Met1Ile; changes the start codon (methionine 1).
Molecular consequence: missense variant, initiator codon variant. On other transcripts: non-coding transcript variant (1).
Genome position (GRCh38, 1-based): chr16:11,556,728, C>T on the plus strand (G>A on the coding strand, the complement: LITAF is on the minus strand). VCF-style: chr16-11556728-C-T. GRCh37 (hg19) VCF-style: chr16-11650584-C-T.
Other names: c.3G>A, p.Met1Ile (NM_001136473.1, NM_004862.4); short protein forms M1I.
Identifiers: ClinVar variation 245923 (VCV000245923.7), dbSNP rs560130408, ClinGen allele CA7904205.

ClinVar aggregate classification (germline): Uncertain significance. Review status: criteria provided, multiple submitters, no conflicts (2 of 4 stars). 2 submissions from 2 submitters: Uncertain significance (2). Last evaluated 2024-12-11.

Conditions:
Charcot-Marie-Tooth disease type 1C. Also called: CHARCOT-MARIE-TOOTH DISEASE, DEMYELINATING, TYPE 1C; CHARCOT-MARIE-TOOTH NEUROPATHY, TYPE 1C; NEUROPATHY, HEREDITARY MOTOR AND SENSORY, TYPE IC; Charcot-Marie-Tooth disease, type IC; CMT, SLOW NERVE CONDUCTION TYPE C; HMSN IC. Identifiers: Orphanet 101083, MedGen C0270913, MONDO:0010995, OMIM 601098.

Allele frequency attached by ClinVar (database versions not stated): TOPMed below 0.00001.

Submissions (2):

Labcorp Genetics (formerly Invitae), Labcorp
Classification: Uncertain significance for Charcot-Marie-Tooth disease type 1C. Last evaluated: 2024-12-11. Review status: criteria provided, single submitter. Criteria: Invitae Variant Classification Sherloc (09022015). Collection method: clinical testing. Allele origin: germline.
Comment: This sequence change affects the initiator methionine of the LITAF mRNA. The next in-frame methionine is located at codon 40. This variant is present in population databases (rs560130408, gnomAD 0.0009%). This variant has not been reported in the literature in individuals affected with LITAF-related conditions. ClinVar contains an entry for this variant (Variation ID: 245923). In summary, the available evidence is currently insufficient to determine the role of this variant in disease. Therefore, it has been classified as a Variant of Uncertain Significance.

GeneDx
Classification: Uncertain significance. Last evaluated: 2015-09-25. Review status: criteria provided, single submitter. Criteria: GeneDx Variant Classification (06012015). Collection method: clinical testing. Allele origin: germline. Affected: yes.
Comment: The c.3 G>A variant alters the initiator Methionine codon, and the resultant protein would be described as p.Met1? using a question mark to signify that it is not known if the loss of Met1 means that all protein translation is completely prevented or if an abnormal protein is produced using an alternate Met. It was not observed in approximately 6,500 individuals of European and African American ancestry in the NHLBI Exome Sequencing Project, indicating it is not a common benign variant in these populations. However, thus far only missense variants in the LITAF gene have been reported in association with neuropathy.